The following is an entry in ClinVar:

ClinVar aggregate classification (germline): Uncertain significance (1 of 4 stars; one submission).

Allele frequency attached by ClinVar (database versions not stated): gnomAD exomes 0.00001 and 0.00003; ExAC 0.00002.

Submission:

Labcorp Genetics (formerly Invitae), Labcorp
Classification: Uncertain significance. Last evaluated: 2023-08-17. Review status: criteria provided, single submitter. Criteria: Invitae Variant Classification Sherloc (09022015). Collection method: clinical testing. Allele origin: germline.
Comment: In summary, the available evidence is currently insufficient to determine the role of this variant in disease. Therefore, it has been classified as a Variant of Uncertain Significance. This sequence change replaces glycine, which is neutral and non-polar, with arginine, which is basic and polar, at codon 3526 of the HSPG2 protein (p.Gly3526Arg). This variant is present in population databases (rs769171266, gnomAD 0.02%). This variant has not been reported in the literature in individuals affected with HSPG2-related conditions. ClinVar contains an entry for this variant (Variation ID: 1510018). An algorithm developed to predict the effect of missense changes on protein structure and function (PolyPhen-2) suggests that this variant is likely to be disruptive.

NM_005529.7(HSPG2):c.10576G>A (p.Gly3526Arg)

Gene: HSPG2 (heparan sulfate proteoglycan 2; minus strand). Cytogenetic location: 1p36.12.
Variant type: single nucleotide variant.
Coding change: c.10576G>A on transcript NM_005529.7 (MANE Select); coding-DNA position 10576, G replaced by A.
Protein change: p.Gly3526Arg; replaces glycine 3526 with arginine.
Molecular consequence: missense variant.
Genome position (GRCh38, 1-based): chr1:21,834,823, C>T on the plus strand (G>A on the coding strand, the complement: HSPG2 is on the minus strand). VCF-style: chr1-21834823-C-T. GRCh37 (hg19) VCF-style: chr1-22161316-C-T.
Other names: c.10579G>A, p.Gly3527Arg (NM_001291860.2); short protein forms G3526R, G3527R.
Identifiers: ClinVar variation 1510018 (VCV001510018.8), dbSNP rs769171266, ClinGen allele CA670084.